The following is an entry in ClinVar:

ClinVar aggregate classification (germline): Likely benign (1 of 4 stars; one submission).

Conditions:
Tuberous sclerosis 1 (TSC1). Identifiers: Orphanet 805, MedGen C1854465, MONDO:0008612, OMIM 191100.

Submission:

Myriad Genetics, Inc.
Classification: Likely benign for Tuberous sclerosis 1. Last evaluated: 2025-04-09. Review status: criteria provided, single submitter. Criteria: Myriad Autosomal Dominant, Autosomal Recessive and X-Linked Classification Criteria (2023). Collection method: clinical testing. Allele origin: unknown.
Comment: This variant is considered likely benign. This variant is intronic and is not expected to impact mRNA splicing.

NM_000368.5(TSC1):c.1030-10A>T

Gene: TSC1 (TSC complex subunit 1; minus strand). Cytogenetic location: 9q34.13.
Variant type: single nucleotide variant.
Coding change: c.1030-10A>T on transcript NM_000368.5 (MANE Select); 10 bases into the intron before coding-DNA position 1030, A replaced by T.
Molecular consequence: intron variant.
Genome position (GRCh38, 1-based): chr9:132,911,123, T>A on the plus strand (A>T on the coding strand, the complement: TSC1 is on the minus strand). VCF-style: chr9-132911123-T-A. GRCh37 (hg19) VCF-style: chr9-135786510-T-A.
Other names: c.667-10A>T (NM_001406620.1, NM_001406618.1, NM_001406625.1 and 10 more transcripts); c.877-10A>T (NM_001406613.1, NM_001406612.1, NM_001406610.1 and 2 more transcripts); c.79-10A>T (NM_001406627.1, NM_001406628.1, NM_001406626.1); c.-21-10A>T (NM_001406629.1, NM_001406630.1); c.1030-10A>T (NM_001406603.1, NM_001406609.1, NM_001406597.1 and 16 more transcripts).
Identifiers: ClinVar variation 4071352 (VCV004071352.1).